The following is an entry in ClinVar:

NM_001754.5(RUNX1):c.566A>G (p.Tyr189Cys)

Genes: RUNX1 (RUNX family transcription factor 1; minus strand), RUNX1-AS1 (RUNX1 antisense RNA 1; plus strand). Cytogenetic location: 21q22.12.
Variant type: single nucleotide variant.
Coding change: c.566A>G on transcript NM_001754.5 (MANE Select); coding-DNA position 566, A replaced by G.
Protein change: p.Tyr189Cys; replaces tyrosine 189 with cysteine.
Molecular consequence: missense variant.
Genome position (GRCh38, 1-based): chr21:34,859,521, T>C on the plus strand (A>G on the coding strand, the complement: RUNX1 is on the minus strand). VCF-style: chr21-34859521-T-C. GRCh37 (hg19) VCF-style: chr21-36231818-T-C.
Other names: c.485A>G, p.Tyr162Cys (NM_001001890.3, NM_001122607.2); short protein forms Y162C, Y189C.
Identifiers: ClinVar variation 4158178 (VCV004158178.1).

ClinVar aggregate classification (germline): Uncertain significance (1 of 4 stars; one submission).

Conditions:
Inborn genetic diseases. Identifiers: MedGen C0950123, MeSH D030342.

Submission:

Ambry Genetics
Classification: Uncertain significance for Inborn genetic diseases. Last evaluated: 2025-06-17. Review status: criteria provided, single submitter. Criteria: Ambry Variant Classification Scheme 2023. Collection method: clinical testing. Allele origin: germline.
Comment: The p.Y189C variant (also known as c.566A>G), located in coding exon 5 of the RUNX1 gene, results from an A to G substitution at nucleotide position 566. The tyrosine at codon 189 is replaced by cysteine, an amino acid with highly dissimilar properties. This amino acid position is conserved. In addition, this alteration is predicted to be deleterious by in silico analysis. Based on the available evidence, the clinical significance of this variant remains unclear.